The following is an entry in ClinVar:

NM_004807.3(HS6ST1):c.912C>T (p.Phe304=)

Gene: HS6ST1 (heparan sulfate 6-O-sulfotransferase 1; minus strand). Cytogenetic location: 2q14.3.
Variant type: single nucleotide variant.
Coding change: c.912C>T on transcript NM_004807.3 (MANE Select); coding-DNA position 912, C replaced by T.
Protein change: p.Phe304=; no amino-acid change (phenylalanine 304 retained).
Molecular consequence: synonymous variant.
Genome position (GRCh38, 1-based): chr2:128,268,486, G>A on the plus strand (C>T on the coding strand, the complement: HS6ST1 is on the minus strand). VCF-style: chr2-128268486-G-A. GRCh37 (hg19) VCF-style: chr2-129026060-G-A.
Identifiers: ClinVar variation 1610434 (VCV001610434.13), dbSNP rs367706063, ClinGen allele CA1867526.
Genomic context (GRCh38, chr2:128,268,486, plus strand): 5'-CGCCCGCGTGCTATTGTACTGCATGAAGGGCCGGATGAACTTGAGGTTGAACGTCCGCTC[G>A]AACAGGTACTGCGTCTTGCGCTGGAACTCGGTCAGGCCGAAGAAGGCCATGCCCCGCAGG-3'
Protein context (NP_004798.3, residues 294-314): TEFQRKTQYL[Phe304=]ERTFNLKFIR

ClinVar aggregate classification (germline): Likely benign. Review status: criteria provided, multiple submitters, no conflicts (2 of 4 stars). 3 submissions from 3 submitters: Likely benign (3). Last evaluated 2026-02-01.

Allele frequency attached by ClinVar (database versions not stated): gnomAD 0.00016; gnomAD exomes 0.00016 and 0.00019; TOPMed 0.00016; ExAC 0.00017; ESP Exome Variant Server 0.00024.
gnomAD v4.1: 297 of 1,612,640 alleles (0.018%); highest among the groups gnomAD compares: Non-Finnish European, 0.021%; no homozygotes.

Submissions (3):

CeGaT Center for Human Genetics Tuebingen
Classification: Likely benign. Last evaluated: 2026-02-01. Review status: criteria provided, single submitter. Criteria: CeGaT Center For Human Genetics Tuebingen Variant Classification Criteria Version 2. Collection method: clinical testing. Allele origin: germline. Affected: yes. Observed: 1 variant allele.
Comment: HS6ST1: BP4, BP7

Labcorp Genetics (formerly Invitae), Labcorp
Classification: Likely benign. Last evaluated: 2025-03-10. Review status: criteria provided, single submitter. Criteria: Invitae Variant Classification Sherloc (09022015). Collection method: clinical testing. Allele origin: germline.

Blueprint Genetics
Classification: Likely benign. Last evaluated: 2024-10-17. Review status: criteria provided, single submitter. Criteria: ACMG Guidelines, 2015. Collection method: clinical testing. Allele origin: germline.